The following is an entry in ClinVar:

ClinVar aggregate classification (germline): Conflicting classifications of pathogenicity. Review status: criteria provided, conflicting classifications (1 of 4 stars). 5 submissions from 5 submitters: Uncertain significance (3); Likely benign (2). Last evaluated 2025-12-26.

Conditions:
Ehlers-Danlos syndrome (EDS). Identifiers: Orphanet 98249, MedGen C0013720, MONDO:0020066.
Cardiovascular phenotype. Identifiers: MedGen CN230736.

Allele frequency attached by ClinVar (database versions not stated): gnomAD exomes 0.00003 and 0.00004; ExAC 0.00005; 1000 Genomes Project 30x 0.00016; gnomAD 0.00016; TOPMed 0.00018; 1000 Genomes Project 0.00020.
gnomAD v4.1: 92 of 1,550,434 alleles (0.0059%); highest among the groups gnomAD compares: African/African-American, 0.074%; no homozygotes.

Submissions (5):

Labcorp Genetics (formerly Invitae), Labcorp
Classification: Uncertain significance. Last evaluated: 2025-12-26. Review status: criteria provided, single submitter. Criteria: Invitae Variant Classification Sherloc (09022015). Collection method: clinical testing. Allele origin: germline.
Comment: This sequence change replaces leucine, which is neutral and non-polar, with arginine, which is basic and polar, at codon 1496 of the ZNF469 protein (p.Leu1496Arg). This variant is present in population databases (rs111916311, gnomAD 0.04%). This variant has not been reported in the literature in individuals affected with ZNF469-related conditions. ClinVar contains an entry for this variant (Variation ID: 1216143). An algorithm developed to predict the effect of missense changes on protein structure and function (PolyPhen-2) suggests that this variant is likely to be disruptive. In summary, the available evidence is currently insufficient to determine the role of this variant in disease. Therefore, it has been classified as a Variant of Uncertain Significance.

CeGaT Center for Human Genetics Tuebingen
Classification: Likely benign. Last evaluated: 2023-09-01. Review status: criteria provided, single submitter. Criteria: CeGaT Center For Human Genetics Tuebingen Variant Classification Criteria Version 2. Collection method: clinical testing. Allele origin: germline. Affected: yes. Observed: 2 variant alleles.
Comment: ZNF469: BP4

Ambry Genetics
Classification: Likely benign for Cardiovascular phenotype. Last evaluated: 2021-10-29. Review status: criteria provided, single submitter. Criteria: Ambry Variant Classification Scheme 2023. Collection method: clinical testing. Allele origin: germline.

GeneDx
Classification: Uncertain significance. Last evaluated: 2021-04-19. Review status: criteria provided, single submitter. Criteria: GeneDx Variant Classification Process June 2021. Collection method: clinical testing. Allele origin: germline. Affected: yes.
Comment: Has not been previously published as pathogenic or benign to our knowledge Observed in 9/185,292 (0.005%) alleles in large population cohorts (Lek et al., 2016) In silico analysis supports that this missense variant does not alter protein structure/function

Genome Diagnostics Laboratory, The Hospital for Sick Children
Classification: Uncertain significance for Ehlers-Danlos syndrome. Last evaluated: 2018-11-01. Review status: criteria provided, single submitter. Criteria: ACMG Guidelines, 2015. Collection method: clinical testing. Allele origin: germline.

NM_001367624.2(ZNF469):c.4571T>G (p.Leu1524Arg)

Gene: ZNF469 (zinc finger protein 469; plus strand). Cytogenetic location: 16q24.2.
Variant type: single nucleotide variant.
Coding change: c.4571T>G on transcript NM_001367624.2 (MANE Select); coding-DNA position 4571, T replaced by G.
Protein change: p.Leu1524Arg; replaces leucine 1524 with arginine.
Molecular consequence: missense variant.
Genome position (GRCh38, 1-based): chr16:88,432,041, T>G. VCF-style: chr16-88432041-T-G. GRCh37 (hg19) VCF-style: chr16-88498449-T-G.
Other names: NM_001127464.1:c.4487T>G; NM_001127464.2:c.4487T>G; short protein forms L1524R.
Identifiers: ClinVar variation 1216143 (VCV001216143.37), dbSNP rs111916311, ClinGen allele CA8224977.